The following is an entry in ClinVar:

NM_002532.6(NUP88):c.1742A>G (p.Asp581Gly)

Gene: NUP88 (nucleoporin 88; minus strand). Cytogenetic location: 17p13.2.
Variant type: single nucleotide variant.
Coding change: c.1742A>G on transcript NM_002532.6 (MANE Select); coding-DNA position 1742, A replaced by G.
Protein change: p.Asp581Gly; replaces aspartic acid 581 with glycine.
Molecular consequence: missense variant.
Genome position (GRCh38, 1-based): chr17:5,387,806, T>C on the plus strand (A>G on the coding strand, the complement: NUP88 is on the minus strand). VCF-style: chr17-5387806-T-C. GRCh37 (hg19) VCF-style: chr17-5291126-T-C.
Other names: c.1790A>G, p.Asp597Gly (NM_001320653.2); short protein forms D581G, D597G.
Identifiers: ClinVar variation 3041907 (VCV003041907.6), dbSNP rs149760662, ClinGen allele CA8324150.
Genomic context (GRCh38, chr17:5,387,806, plus strand): 5'-GGATCGATGGTTTGTGAACACAGGACATCATACCTCCGCTGAATCTCCTCCTTTGCCAAG[T>C]CCTGTTTGAGAATGTACTGCTCTCTGAACACCTGGGTGGCTCTGCTGAGGAGCTGAAGGC-3'
Protein context (NP_002523.2, residues 571-591): VFREQYILKQ[Asp581Gly]LAKEEIQRRV

ClinVar aggregate classification (germline): Likely benign. Review status: criteria provided, single submitter (1 of 4 stars). 2 submissions from 2 submitters: Likely benign (1). 1 of the submissions does not count toward it. Last evaluated 2026-09-01.

Conditions:
NUP88-related disorder. Also called: NUP88-related condition.

Allele frequency attached by ClinVar (database versions not stated): 1000 Genomes Project 30x 0.00094; 1000 Genomes Project 0.00100; TOPMed 0.00269; ExAC 0.00271; gnomAD 0.00285; ESP Exome Variant Server 0.00384; gnomAD exomes 0.00465.
gnomAD v4.1: 7,132 of 1,612,860 alleles (0.44%); highest among the groups gnomAD compares: Non-Finnish European, 0.56%; 22 homozygotes.

Submissions (2):

CeGaT Center for Human Genetics Tuebingen
Classification: Likely benign. Last evaluated: 2026-09-01. Review status: criteria provided, single submitter. Criteria: CeGaT Center For Human Genetics Tuebingen Variant Classification Criteria Version 2. Collection method: clinical testing. Allele origin: germline. Affected: yes. Observed: 3 variant alleles.
Comment: NUP88: BS2

PreventionGenetics, part of Exact Sciences
Classification: Likely benign for NUP88-related condition. Last evaluated: 2022-12-28. Review status: no assertion criteria provided. Collection method: clinical testing. Allele origin: germline. Not counted in ClinVar's aggregate classification.
Comment: This variant is classified as likely benign based on ACMG/AMP sequence variant interpretation guidelines (Richards et al. 2015 PMID: 25741868, with internal and published modifications).